The following is an entry in ClinVar:

ClinVar aggregate classification (germline): Uncertain significance (1 of 4 stars; one submission).

Submission:

CeGaT Center for Human Genetics Tuebingen
Classification: Uncertain significance. Last evaluated: 2023-07-01. Review status: criteria provided, single submitter. Criteria: CeGaT Center For Human Genetics Tuebingen Variant Classification Criteria Version 2. Collection method: clinical testing. Allele origin: germline. Affected: yes. Observed: 1 variant allele.
Comment: TWIST1: PM2, PP2, PP3, PP4

NM_000474.4(TWIST1):c.545G>T (p.Arg182Leu)

Genes: TWIST1 (twist family bHLH transcription factor 1; minus strand), LOC129998021 (ATAC-STARR-seq lymphoblastoid active region 25682; plus strand). Cytogenetic location: 7p21.1.
Variant type: single nucleotide variant.
Coding change: c.545G>T on transcript NM_000474.4 (MANE Select); coding-DNA position 545, G replaced by T.
Protein change: p.Arg182Leu; replaces arginine 182 with leucine.
Molecular consequence: missense variant. On other transcripts: non-coding transcript variant (1).
Genome position (GRCh38, 1-based): chr7:19,116,777, C>A on the plus strand (G>T on the coding strand, the complement: TWIST1 is on the minus strand). VCF-style: chr7-19116777-C-A. GRCh37 (hg19) VCF-style: chr7-19156400-C-A.
Other names: short protein forms R182L.
Identifiers: ClinVar variation 2579018 (VCV002579018.25), dbSNP rs2486049219, ClinGen allele CA367015200.